The following is an entry in ClinVar:

NM_001386140.1(MTTP):c.502-12CTTT[3]

Gene: MTTP (microsomal triglyceride transfer protein; plus strand). Cytogenetic location: 4q23.
Variant type: Microsatellite.
Coding change: c.502-12CTTT[3] on transcript NM_001386140.1 (MANE Select); three copies in a row of the 4-base unit CTTT starting at c.502-12; the reference has two copies in a row; one copy, 4 bases duplicated.
Molecular consequence: intron variant.
Genome position (GRCh38, 1-based): chr4:99,591,227-99,591,230, CTTT duplicated; duplicating any 4 consecutive bases within chr4:99,591,223-99,591,230 gives the same sequence; the position shown is the placement nearest the transcript's 3' end. VCF-style (leftmost placement, unchanged base first): chr4-99591222-C-CCTTT. GRCh37 (hg19) VCF-style: chr4-100512379-C-CCTTT.
Other names: c.502-8_502-5dupCTTT (NM_000253.3); c.502-12CTTT[3] (NM_000253.4); c.253-12CTTT[3] (NM_001300785.2).
Identifiers: ClinVar variation 2884245 (VCV002884245.5), dbSNP rs1434454323, ClinGen allele CA553123674.

ClinVar aggregate classification (germline): Likely benign. Review status: criteria provided, multiple submitters, no conflicts (2 of 4 stars). 3 submissions from 3 submitters: Likely benign (2). 1 of the submissions does not count toward it. Last evaluated 2024-04-05.

Conditions:
MTTP-related disorder. Also called: MTTP-related condition.

Submissions (3):

Blueprint Genetics
Classification: Likely benign. Last evaluated: 2024-04-05. Review status: criteria provided, single submitter. Criteria: ACMG Guidelines, 2015. Collection method: clinical testing. Allele origin: germline.

Labcorp Genetics (formerly Invitae), Labcorp
Classification: Likely benign. Last evaluated: 2023-10-09. Review status: criteria provided, single submitter. Criteria: Invitae Variant Classification Sherloc (09022015). Collection method: clinical testing. Allele origin: germline.

PreventionGenetics, part of Exact Sciences
Classification: Likely benign for MTTP-related condition. Last evaluated: 2019-06-06. Review status: no assertion criteria provided. Collection method: clinical testing. Allele origin: germline. Not counted in ClinVar's aggregate classification.
Comment: This variant is classified as likely benign based on ACMG/AMP sequence variant interpretation guidelines (Richards et al. 2015 PMID: 25741868, with internal and published modifications).